The following is an entry in ClinVar:

ClinVar aggregate classification (germline): Uncertain significance (1 of 4 stars; one submission).

Allele frequency attached by ClinVar (database versions not stated): gnomAD exomes below 0.00001.
gnomAD v4.1: 5 of 1,597,180 alleles (0.00031%); highest among the groups gnomAD compares: Non-Finnish European, 0.00043%; no homozygotes.

Submission:

GeneDx
Classification: Uncertain significance. Last evaluated: 2022-03-15. Review status: criteria provided, single submitter. Criteria: GeneDx Variant Classification Process June 2021. Collection method: clinical testing. Allele origin: germline. Affected: yes.
Comment: Not observed at significant frequency in large population cohorts (gnomAD); In silico analysis supports that this missense variant does not alter protein structure/function; Has not been previously published as pathogenic or benign to our knowledge

NM_018896.5(CACNA1G):c.6376G>T (p.Ala2126Ser)

Gene: CACNA1G (calcium voltage-gated channel subunit alpha1 G; plus strand). Cytogenetic location: 17q21.33.
Variant type: single nucleotide variant.
Coding change: c.6376G>T on transcript NM_018896.5 (MANE Select); coding-DNA position 6376, G replaced by T.
Protein change: p.Ala2126Ser; replaces alanine 2126 with serine.
Molecular consequence: missense variant. On other transcripts: non-coding transcript variant (5).
Genome position (GRCh38, 1-based): chr17:50,624,506, G>T. VCF-style: chr17-50624506-G-T. GRCh37 (hg19) VCF-style: chr17-48701867-G-T.
Other names: c.6187G>T, p.Ala2063Ser (NM_001256324.2); c.6118G>T, p.Ala2040Ser (NM_001256325.2); c.6106G>T, p.Ala2036Ser (NM_001256326.2); c.6076G>T, p.Ala2026Ser (NM_001256327.2); c.6022G>T, p.Ala2008Ser (NM_001256328.2); c.5995G>T, p.Ala1999Ser (NM_001256329.2, NM_198376.3, NM_198387.3); c.5962G>T, p.Ala1988Ser (NM_001256330.2); c.5941G>T, p.Ala1981Ser (NM_001256331.2); and 15 more; short protein forms A1976S, A1981S, A1988S, A1992S, A1995S, A1997S, A1999S, A2006S.
Identifiers: ClinVar variation 1706111 (VCV001706111.2), dbSNP rs2053159529, ClinGen allele CA400270576.